The following is an entry in ClinVar:

NM_015041.3(CLUAP1):c.1180A>G (p.Thr394Ala)

Gene: CLUAP1 (clusterin associated protein 1; plus strand). Cytogenetic location: 16p13.3.
Variant type: single nucleotide variant.
Coding change: c.1180A>G on transcript NM_015041.3 (MANE Select); coding-DNA position 1180, A replaced by G.
Protein change: p.Thr394Ala; replaces threonine 394 with alanine.
Molecular consequence: missense variant.
Genome position (GRCh38, 1-based): chr16:3,536,209, A>G. VCF-style: chr16-3536209-A-G. GRCh37 (hg19) VCF-style: chr16-3586209-A-G.
Other names: c.1237A>G, p.Thr413Ala (NM_001330454.2); c.682A>G, p.Thr228Ala (NM_024793.3); c.1180A>G (NM_015041.1); short protein forms T413A, T394A, T228A.
Identifiers: ClinVar variation 1462416 (VCV001462416.9), dbSNP rs143126195, ClinGen allele CA7864063.

ClinVar aggregate classification (germline): Conflicting classifications of pathogenicity. Review status: criteria provided, conflicting classifications (1 of 4 stars). 2 submissions from 2 submitters: Uncertain significance (1); Likely benign (1). Last evaluated 2024-08-20.

Allele frequency attached by ClinVar (database versions not stated): gnomAD 0.00002; TOPMed 0.00002; gnomAD exomes 0.00003 and 0.00008; ESP Exome Variant Server 0.00008; ExAC 0.00011; 1000 Genomes Project 0.00020; 1000 Genomes Project 30x 0.00047.
gnomAD v4.1: 54 of 1,614,170 alleles (0.0033%); highest among the groups gnomAD compares: South Asian, 0.045%; no homozygotes.

Submissions (2):

Ambry Genetics
Classification: Likely benign. Last evaluated: 2024-08-20. Review status: criteria provided, single submitter. Criteria: Ambry Variant Classification Scheme 2023. Collection method: clinical testing. Allele origin: germline.

Labcorp Genetics (formerly Invitae), Labcorp
Classification: Uncertain significance. Last evaluated: 2023-10-13. Review status: criteria provided, single submitter. Criteria: Invitae Variant Classification Sherloc (09022015). Collection method: clinical testing. Allele origin: germline.
Comment: This sequence change replaces threonine, which is neutral and polar, with alanine, which is neutral and non-polar, at codon 394 of the CLUAP1 protein (p.Thr394Ala). This variant is present in population databases (rs143126195, gnomAD 0.06%). This variant has not been reported in the literature in individuals affected with CLUAP1-related conditions. ClinVar contains an entry for this variant (Variation ID: 1462416). Advanced modeling of protein sequence and biophysical properties (such as structural, functional, and spatial information, amino acid conservation, physicochemical variation, residue mobility, and thermodynamic stability) performed at Invitae indicates that this missense variant is not expected to disrupt CLUAP1 protein function. In summary, the available evidence is currently insufficient to determine the role of this variant in disease. Therefore, it has been classified as a Variant of Uncertain Significance.